The following is an entry in ClinVar:

ClinVar aggregate classification (germline): Uncertain significance (1 of 4 stars; one submission).

Conditions:
Bloom syndrome (BLM). Also called: Bloom-Torre-Machacek syndrome. Identifiers: Orphanet 125, MedGen C0005859, MONDO:0008876, OMIM 210900.

Submission:

Labcorp Genetics (formerly Invitae), Labcorp
Classification: Uncertain significance for Bloom syndrome. Last evaluated: 2025-03-05. Review status: criteria provided, single submitter. Criteria: Invitae Variant Classification Sherloc (09022015). Collection method: clinical testing. Allele origin: germline.
Comment: This sequence change replaces proline, which is neutral and non-polar, with leucine, which is neutral and non-polar, at codon 767 of the BLM protein (p.Pro767Leu). This variant is not present in population databases (gnomAD no frequency). This variant has not been reported in the literature in individuals affected with BLM-related conditions. ClinVar contains an entry for this variant (Variation ID: 2754589). Invitae Evidence Modeling of protein sequence and biophysical properties (such as structural, functional, and spatial information, amino acid conservation, physicochemical variation, residue mobility, and thermodynamic stability) indicates that this missense variant is expected to disrupt BLM protein function with a positive predictive value of 80%. In summary, the available evidence is currently insufficient to determine the role of this variant in disease. Therefore, it has been classified as a Variant of Uncertain Significance.

NM_000057.4(BLM):c.2300C>T (p.Pro767Leu)

Gene: BLM (BLM RecQ like helicase; plus strand). Cytogenetic location: 15q26.1.
Variant type: single nucleotide variant.
Coding change: c.2300C>T on transcript NM_000057.4 (MANE Select); coding-DNA position 2300, C replaced by T.
Protein change: p.Pro767Leu; replaces proline 767 with leucine.
Molecular consequence: missense variant.
Genome position (GRCh38, 1-based): chr15:90,767,016, C>T. VCF-style: chr15-90767016-C-T. GRCh37 (hg19) VCF-style: chr15-91310246-C-T.
Other names: c.2300C>T, p.Pro767Leu (NM_001287246.2, NM_001287247.2); c.1175C>T, p.Pro392Leu (NM_001287248.2); short protein forms P767L, P392L.
Identifiers: ClinVar variation 2754589 (VCV002754589.3), dbSNP rs2505447618, ClinGen allele CA393844993.
Genomic context (GRCh38, chr15:90,767,016, plus strand): 5'-CAAATATTTACCTCCAGTTATCAAAAAAAGACCCAATCATAAAACTTCTATATGTCACTC[C>T]AGAAAAGGTTTGTATTTATATCATTATTTTAAAATATATTAAAGACCACTAGAATACATA-3'
Protein context (NP_000048.1, residues 757-777): DPIIKLLYVT[Pro767Leu]EKICASNRLI